The following is an entry in ClinVar:

NM_031307.4(PUS3):c.121A>C (p.Ile41Leu)

Genes: HYLS1 (HYLS1 centriolar and ciliogenesis associated; plus strand), PUS3 (pseudouridine synthase 3; minus strand). Cytogenetic location: 11q24.2.
Variant type: single nucleotide variant.
Coding change: c.121A>C on transcript NM_031307.4 (MANE Select); coding-DNA position 121, A replaced by C.
Protein change: p.Ile41Leu; replaces isoleucine 41 with leucine.
Molecular consequence: missense variant. On other transcripts: intron variant (6).
Genome position (GRCh38, 1-based): chr11:125,896,164, T>G on the plus strand (A>C on the coding strand, the complement: PUS3 is on the minus strand). VCF-style: chr11-125896164-T-G. GRCh37 (hg19) VCF-style: chr11-125766059-T-G.
Other names: c.-80-2940T>G (NM_145014.3); c.-25-3180T>G (NM_001134793.2, NM_001377269.1); c.-22-3183T>G (NM_001424364.1, NM_001377270.1); c.-246-375A>C (NM_001271985.2); short protein forms I41L.
Identifiers: ClinVar variation 1421671 (VCV001421671.9), dbSNP rs746003872, ClinGen allele CA6350593.

ClinVar aggregate classification (germline): Uncertain significance. Review status: criteria provided, multiple submitters, no conflicts (2 of 4 stars). 2 submissions from 2 submitters: Uncertain significance (2). Last evaluated 2021-12-02.

Conditions:
Inborn genetic diseases. Identifiers: MedGen C0950123, MeSH D030342.

gnomAD v4.1: 28 of 1,614,088 alleles (0.0017%); highest among the groups gnomAD compares: Admixed American, 0.018%; no homozygotes.

Submissions (2):

Labcorp Genetics (formerly Invitae), Labcorp
Classification: Uncertain significance. Last evaluated: 2021-12-02. Review status: criteria provided, single submitter. Criteria: Invitae Variant Classification Sherloc (09022015). Collection method: clinical testing. Allele origin: germline.
Comment: This sequence change replaces isoleucine, which is neutral and non-polar, with leucine, which is neutral and non-polar, at codon 41 of the PUS3 protein (p.Ile41Leu). This variant is present in population databases (rs746003872, gnomAD 0.02%). This variant has not been reported in the literature in individuals affected with PUS3-related conditions. Algorithms developed to predict the effect of missense changes on protein structure and function (SIFT, PolyPhen-2, Align-GVGD) all suggest that this variant is likely to be tolerated. In summary, the available evidence is currently insufficient to determine the role of this variant in disease. Therefore, it has been classified as a Variant of Uncertain Significance.

Ambry Genetics
Classification: Uncertain significance for Inborn genetic diseases. Last evaluated: 2021-07-13. Review status: criteria provided, single submitter. Criteria: Ambry Variant Classification Scheme 2023. Collection method: clinical testing. Allele origin: germline.